The following is an entry in ClinVar:

ClinVar aggregate classification (germline): Uncertain significance. Review status: criteria provided, multiple submitters, no conflicts (2 of 4 stars). 2 submissions from 2 submitters: Uncertain significance (2). Last evaluated 2023-12-18.

Conditions:
Malignant hyperthermia, susceptibility to, 1 (MHS1). Also called: Anesthesia related hyperthermia; Malignant hyperpyrexia; Fulminating hyperpyrexia; Pharmacogenic myopathy; RYR1-Related Malignant Hyperthermia Susceptibility; Malignant hyperthermia suceptibility 1. Identifiers: Orphanet 423, MedGen C2930980, MONDO:0007783, OMIM 145600.
RYR1-related disorder. Also called: RYR1-related condition; RYR1-related disorders. Identifiers: MedGen CN239331.

gnomAD v4.1: 1 of 1,612,290 alleles (0.000062%); highest among the groups gnomAD compares: Non-Finnish European, 0.000085%; no homozygotes.

Submissions (2):

All of Us Research Program, National Institutes of Health
Classification: Uncertain significance for Malignant hyperthermia, susceptibility to, 1. Last evaluated: 2023-12-18. Review status: criteria provided, single submitter. Criteria: ACMG Guidelines, 2015. Collection method: clinical testing. Allele origin: germline. Inheritance: Autosomal dominant inheritance. Observed: 1 variant allele, 1 heterozygote.
Comment: This missense variant replaces proline with leucine at codon 2789 of the RYR1 protein. Computational prediction is inconclusive regarding the impact of this variant on protein structure and function (internally defined REVEL score threshold 0.5 < inconclusive < 0.7, PMID: 27666373). To our knowledge, functional studies have not been reported for this variant. This variant has not been reported in individuals affected with RYR1-related disorders in the literature. This variant has not been identified in the general population by the Genome Aggregation Database (gnomAD). The available evidence is insufficient to determine the role of this variant in disease conclusively. Therefore, this variant is classified as a Variant of Uncertain Significance.

This study involves interpretation of variants in research participants for the purpose of population health screening. Participant phenotype was not available at the time of variant classification. Additional details can be found in publication PMID: 35346344, PMCID: PMC8962531

Labcorp Genetics (formerly Invitae), Labcorp
Classification: Uncertain significance for RYR1-related disorder. Last evaluated: 2023-12-11. Review status: criteria provided, single submitter. Criteria: Invitae Variant Classification Sherloc (09022015). Collection method: clinical testing. Allele origin: germline.
Comment: This sequence change replaces proline, which is neutral and non-polar, with leucine, which is neutral and non-polar, at codon 2789 of the RYR1 protein (p.Pro2789Leu). This variant is not present in population databases (gnomAD no frequency). This variant has not been reported in the literature in individuals affected with RYR1-related conditions. Advanced modeling of protein sequence and biophysical properties (such as structural, functional, and spatial information, amino acid conservation, physicochemical variation, residue mobility, and thermodynamic stability) performed at Invitae indicates that this missense variant is expected to disrupt RYR1 protein function with a positive predictive value of 95%. In summary, the available evidence is currently insufficient to determine the role of this variant in disease. Therefore, it has been classified as a Variant of Uncertain Significance.

NM_000540.3(RYR1):c.8366C>T (p.Pro2789Leu)

Genes: RYR1 (ryanodine receptor 1; plus strand), LOC126862902 (BRD4-independent group 4 enhancer GRCh37_chr19:38995830-38997029; plus strand). Cytogenetic location: 19q13.2.
Variant type: single nucleotide variant.
Coding change: c.8366C>T on transcript NM_000540.3 (MANE Select); coding-DNA position 8366, C replaced by T.
Protein change: p.Pro2789Leu; replaces proline 2789 with leucine.
Molecular consequence: missense variant.
Genome position (GRCh38, 1-based): chr19:38,505,364, C>T. VCF-style: chr19-38505364-C-T. GRCh37 (hg19) VCF-style: chr19-38996004-C-T.
Other names: c.8366C>T, p.Pro2789Leu (NM_001042723.2); short protein forms P2789L.
Identifiers: ClinVar variation 2878521 (VCV002878521.4), dbSNP rs2514358496, ClinGen allele CA405677623.